The following is an entry in ClinVar:

NM_003640.5(ELP1):c.814G>T (p.Gly272Ter)

Gene: ELP1 (elongator acetyltransferase complex subunit 1; minus strand). Cytogenetic location: 9q31.3.
Variant type: single nucleotide variant.
Coding change: c.814G>T on transcript NM_003640.5 (MANE Select); coding-DNA position 814, G replaced by T.
Protein change: p.Gly272Ter; replaces glycine 272 with a stop codon.
Molecular consequence: nonsense. On other transcripts: 5 prime UTR variant (1).
Genome position (GRCh38, 1-based): chr9:108,917,597, C>A on the plus strand (G>T on the coding strand, the complement: ELP1 is on the minus strand). VCF-style: chr9-108917597-C-A. GRCh37 (hg19) VCF-style: chr9-111679877-C-A.
Other names: c.814G>T (NM_003640.4); c.472G>T, p.Gly158Ter (NM_001318360.2); c.-234G>T (NM_001330749.2); short protein forms G158*, G272*.
Identifiers: ClinVar variation 2027978 (VCV002027978.6), dbSNP rs1339594475, ClinGen allele CA374386257.

ClinVar aggregate classification (germline): Pathogenic/Likely pathogenic. Review status: criteria provided, multiple submitters, no conflicts (2 of 4 stars). 3 submissions from 3 submitters: Pathogenic (1); Likely pathogenic (2). Last evaluated 2024-07-10.

Conditions:
Familial dysautonomia. Also called: HSAN III; FD. Identifiers: Orphanet 1764, MedGen C0013364, MONDO:0009131, OMIM 223900. Disease mechanism: loss of function.

gnomAD v4.1: 1 of 1,613,876 alleles (0.000062%); highest among the groups gnomAD compares: Non-Finnish European, 0.000085%; no homozygotes.

Submissions (3):

Natera, Inc.
Classification: Likely pathogenic for Familial dysautonomia. Last evaluated: 2024-07-10. Review status: criteria provided, single submitter. Criteria: Natera Variant Classification Schema (03/2026). Collection method: clinical testing. Allele origin: germline.
Comment: The c.814G>T variant in ELP1 is a nonsense variant predicted to introduce a stop codon at amino acid 272. This variant is expected to result in nonsense mediated decay, truncation, or a dysfunctional protein product. This variant is rare in the general population with a frequency below the threshold expected for the associated phenotype(s). Given the available evidence, this variant is classified as Likely Pathogenic.

Labcorp Genetics (formerly Invitae), Labcorp
Classification: Pathogenic. Last evaluated: 2023-10-17. Review status: criteria provided, single submitter. Criteria: Invitae Variant Classification Sherloc (09022015). Collection method: clinical testing. Allele origin: germline.
Comment: This sequence change creates a premature translational stop signal (p.Gly272*) in the ELP1 gene. It is expected to result in an absent or disrupted protein product. Loss-of-function variants in ELP1 are known to be pathogenic (PMID: 18303054, 24173031). This variant is not present in population databases (gnomAD no frequency). This variant has not been reported in the literature in individuals affected with ELP1-related conditions. ClinVar contains an entry for this variant (Variation ID: 2027978). Algorithms developed to predict the effect of sequence changes on RNA splicing suggest that this variant may disrupt the consensus splice site. For these reasons, this variant has been classified as Pathogenic.

Laboratory for Molecular Medicine, Mass General Brigham Personalized Medicine
Classification: Likely pathogenic for Familial dysautonomia. Last evaluated: 2023-06-04. Review status: criteria provided, single submitter. Criteria: ACMG Guidelines, 2015. Collection method: clinical testing. Allele origin: germline. Inheritance: Autosomal recessive inheritance.
Comment: The p.Gly272X variant in ELP1 has not been previously reported in the literature in individuals with familial dysautonomia but has been reported by other clinical laboratories in ClinVar (Variation ID 2027978). It was absent from large population studies (gnomAD, v.3.1.2.). This nonsense variant leads to a premature termination codon at position 272, which is predicted to lead to a truncated or absent protein. Loss of function of the ELP1 gene is an established disease mechanism in autosomal recessive familial dysautonomia. In summary, although additional studies are required to fully establish its clinical significance, this variant meets criteria to be classified as likely pathogenic for autosomal recessive familial dysautonomia. ACMG/AMP Criteria applied: PVS1, PM2_Supporting.

Literature cited by the submitters: PubMed 18303054 (cited by Labcorp Genetics (formerly Invitae), Labcorp); PubMed 24173031 (cited by Labcorp Genetics (formerly Invitae), Labcorp).